The following is an entry in ClinVar:

NM_002661.5(PLCG2):c.3112C>T (p.Leu1038=)

Gene: PLCG2 (phospholipase C gamma 2; plus strand). Cytogenetic location: 16q23.3.
Variant type: single nucleotide variant.
Coding change: c.3112C>T on transcript NM_002661.5 (MANE Select); coding-DNA position 3112, C replaced by T.
Protein change: p.Leu1038=; no amino-acid change (leucine 1038 retained).
Molecular consequence: synonymous variant.
Genome position (GRCh38, 1-based): chr16:81,937,817, C>T. VCF-style: chr16-81937817-C-T. GRCh37 (hg19) VCF-style: chr16-81971422-C-T.
Identifiers: ClinVar variation 540124 (VCV000540124.42), dbSNP rs200813182, ClinGen allele CA8194568.
Genomic context (GRCh38, chr16:81,937,817, plus strand): 5'-GATAAGTACATGCAGATGAATCACGCATTGTTTTCTCTCAATGGGCGCACGGGCTACGTT[C>T]TGCAGCCTGAGAGCATGAGGACAGAGAAATATGACCCGATGCCACCCGAGTCCCAGAGGA-3'
Protein context (NP_002652.2, residues 1028-1048): FSLNGRTGYV[Leu1038=]QPESMRTEKY

ClinVar aggregate classification (germline): Benign/Likely benign. Review status: criteria provided, multiple submitters, no conflicts (2 of 4 stars). 6 submissions from 6 submitters: Benign (3); Likely benign (3). Last evaluated 2026-04-15.

Conditions:
Familial cold autoinflammatory syndrome 3 (FCAS3). Also called: FAMILIAL ATYPICAL COLD URTICARIA; ANTIBODY DEFICIENCY AND IMMUNE DYSREGULATION, PLCG2-ASSOCIATED. Identifiers: Orphanet 300359, MedGen C3280914, MONDO:0013766, OMIM 614468.
Autoinflammation-PLCG2-associated antibody deficiency-immune dysregulation. Also called: Autoinflammation, antibody deficiency, and immune dysregulation, plcg2-associated; AUTOINFLAMMATION, ANTIBODY DEFICIENCY, AND IMMUNE DYSREGULATION; Autoinflammation, antibody deficiency, and immune dysregulation syndrome. Identifiers: Orphanet 324530, MedGen C3553961, MONDO:0013944, OMIM 614878.

Allele frequency attached by ClinVar (database versions not stated): 1000 Genomes Project 30x 0.00031; 1000 Genomes Project 0.00040; gnomAD exomes 0.00055 and 0.00109; ExAC 0.00056; TOPMed 0.00060; ESP Exome Variant Server 0.00063; gnomAD 0.00064 and 0.00067.
gnomAD v4.1: 1,682 of 1,613,796 alleles (0.1%); highest among the groups gnomAD compares: Non-Finnish European, 0.14%; 2 homozygotes.

Submissions (6):

Women's Health and Genetics/Laboratory Corporation of America, LabCorp
Classification: Benign. Last evaluated: 2026-04-15. Review status: criteria provided, single submitter. Criteria: LabCorp Variant Classification Summary - May 2015. Collection method: clinical testing. Allele origin: germline.

Labcorp Genetics (formerly Invitae), Labcorp
Classification: Benign for Familial cold autoinflammatory syndrome 3. Last evaluated: 2026-01-18. Review status: criteria provided, single submitter. Criteria: Invitae Variant Classification Sherloc (09022015). Collection method: clinical testing. Allele origin: germline.

ARUP Laboratories, Molecular Genetics and Genomics, ARUP Laboratories
Classification: Likely benign. Last evaluated: 2025-03-31. Review status: criteria provided, single submitter. Criteria: ARUP Molecular Germline Variant Investigation Process 2024. Collection method: clinical testing. Allele origin: germline.

Blueprint Genetics
Classification: Likely benign. Last evaluated: 2024-11-06. Review status: criteria provided, single submitter. Criteria: ACMG Guidelines, 2015. Collection method: clinical testing. Allele origin: germline.

CeGaT Center for Human Genetics Tuebingen
Classification: Benign. Last evaluated: 2023-02-01. Review status: criteria provided, single submitter. Criteria: CeGaT Center For Human Genetics Tuebingen Variant Classification Criteria Version 2. Collection method: clinical testing. Allele origin: germline. Affected: yes. Observed: 1 variant allele.
Comment: PLCG2: BP4, BS1, BS2

Fulgent Genetics
Classification: Likely benign for Familial cold autoinflammatory syndrome 3; Autoinflammation-PLCG2-associated antibody deficiency-immune dysregulation. Last evaluated: 2021-09-07. Review status: criteria provided, single submitter. Criteria: ACMG Guidelines, 2015. Collection method: clinical testing. Allele origin: unknown.